The following is an entry in ClinVar:

NM_000051.4(ATM):c.3274T>G (p.Ser1092Ala)

Gene: ATM (ATM serine/threonine kinase; plus strand). Cytogenetic location: 11q22.3.
Variant type: single nucleotide variant.
Coding change: c.3274T>G on transcript NM_000051.4 (MANE Select); coding-DNA position 3274, T replaced by G.
Protein change: p.Ser1092Ala; replaces serine 1092 with alanine.
Molecular consequence: missense variant.
Genome position (GRCh38, 1-based): chr11:108,272,842, T>G. VCF-style: chr11-108272842-T-G. GRCh37 (hg19) VCF-style: chr11-108143569-T-G.
Other names: c.3274T>G, p.Ser1092Ala (NM_001351834.2); short protein forms S1092A.
Identifiers: ClinVar variation 4747196 (VCV004747196.1).
Genomic context (GRCh38, chr11:108,272,842, plus strand): 5'-GAAGTATTTACACAATTTCTTGCTGACAATCATCACCAAGTTCGCATGTTGGCTGCAGAG[T>G]CAATCAATAGGTAATGGGTCAAATATTCATGAAGTATTTGGAATGCTGCAGATGGCAGTA-3'
Protein context (NP_000042.3, residues 1082-1102): HHQVRMLAAE[Ser1092Ala]INRLFQDTKG

ClinVar aggregate classification (germline): Uncertain significance (1 of 4 stars; one submission).

Conditions:
Ataxia-telangiectasia syndrome (AT). Also called: Ataxia-telangiectasia, complementation group D; AT, COMPLEMENTATION GROUP C; Ataxia-telangiectasia; Ataxia telangiectasia (A-T); LOUIS-BAR SYNDROME; Cerebello-oculocutaneous telangiectasia. Identifiers: Orphanet 100, MedGen C0004135, MONDO:0008840, OMIM 208900.

Submission:

Labcorp Genetics (formerly Invitae), Labcorp
Classification: Uncertain significance for Ataxia-telangiectasia syndrome. Last evaluated: 2025-09-27. Review status: criteria provided, single submitter. Criteria: Invitae Variant Classification Sherloc (09022015). Collection method: clinical testing. Allele origin: germline.
Comment: This sequence change replaces serine, which is neutral and polar, with alanine, which is neutral and non-polar, at codon 1092 of the ATM protein (p.Ser1092Ala). This variant is not present in population databases (gnomAD no frequency). This variant has not been reported in the literature in individuals affected with ATM-related conditions. Invitae Evidence Modeling of protein sequence and biophysical properties (such as structural, functional, and spatial information, amino acid conservation, physicochemical variation, residue mobility, and thermodynamic stability) indicates that this missense variant is not expected to disrupt ATM protein function with a negative predictive value of 95%. In summary, the available evidence is currently insufficient to determine the role of this variant in disease. Therefore, it has been classified as a Variant of Uncertain Significance.